The following is an entry in ClinVar:

ClinVar aggregate classification (germline): Uncertain significance (1 of 4 stars; one submission).

Conditions:
Inborn genetic diseases. Identifiers: MedGen C0950123, MeSH D030342.

Submission:

Ambry Genetics
Classification: Uncertain significance for Inborn genetic diseases. Last evaluated: 2026-02-16. Review status: criteria provided, single submitter. Criteria: Ambry Variant Classification Scheme 2023. Collection method: clinical testing. Allele origin: germline.
Comment: The p.M916K variant (also known as c.2747T>A), located in coding exon 24 of the ANKRD26 gene, results from a T to A substitution at nucleotide position 2747. The methionine at codon 916 is replaced by lysine, an amino acid with similar properties. This amino acid position is conserved. In addition, this alteration is predicted to be tolerated by in silico analysis. Based on the available evidence, the clinical significance of this variant remains unclear.

NM_014915.3(ANKRD26):c.2747T>A (p.Met916Lys)

Gene: ANKRD26 (ankyrin repeat domain 26; minus strand). Cytogenetic location: 10p12.1.
Variant type: single nucleotide variant.
Coding change: c.2747T>A on transcript NM_014915.3 (MANE Select); coding-DNA position 2747, T replaced by A.
Protein change: p.Met916Lys; replaces methionine 916 with lysine.
Molecular consequence: missense variant.
Genome position (GRCh38, 1-based): chr10:27,035,703, A>T on the plus strand (T>A on the coding strand, the complement: ANKRD26 is on the minus strand). VCF-style: chr10-27035703-A-T. GRCh37 (hg19) VCF-style: chr10-27324632-A-T.
Other names: c.2744T>A, p.Met915Lys (NM_001256053.2); short protein forms M915K, M916K.
Identifiers: ClinVar variation 4845142 (VCV004845142.1).